The following is an entry in ClinVar:

NM_000312.4(PROC):c.1217T>A (p.Met406Lys)

Gene: PROC (protein C, inactivator of coagulation factors Va and VIIIa; plus strand). Cytogenetic location: 2q14.3.
Variant type: single nucleotide variant.
Coding change: c.1217T>A on transcript NM_000312.4 (MANE Select); coding-DNA position 1217, T replaced by A.
Protein change: p.Met406Lys; replaces methionine 406 with lysine.
Molecular consequence: missense variant.
Genome position (GRCh38, 1-based): chr2:127,428,777, T>A. VCF-style: chr2-127428777-T-A. GRCh37 (hg19) VCF-style: chr2-128186353-T-A.
Other names: c.1400T>A, p.Met467Lys (NM_001375602.1); c.1382T>A, p.Met461Lys (NM_001375603.1); c.1280T>A, p.Met427Lys (NM_001375604.1); c.1319T>A, p.Met440Lys (NM_001375605.1); c.1385T>A, p.Met462Lys (NM_001375606.1); c.1403T>A, p.Met468Lys (NM_001375607.1); c.1160T>A, p.Met387Lys (NM_001375608.1); c.1193T>A, p.Met398Lys (NM_001375609.1); and 2 more; short protein forms M387K, M398K, M404K, M406K, M427K, M440K, M461K, M462K.
Identifiers: ClinVar variation 3625160 (VCV003625160.2).

ClinVar aggregate classification (germline): Uncertain significance (1 of 4 stars; one submission).

Conditions:
Thrombophilia due to protein C deficiency, autosomal dominant. Also called: PROC DEFICIENCY, AUTOSOMAL DOMINANT; PROTEIN C DEFICIENCY, AUTOSOMAL DOMINANT. Identifiers: Orphanet 745, MedGen C2674321, MONDO:0008316, OMIM 176860. Disease mechanism: loss of function.

gnomAD v4.1: 1 of 1,612,318 alleles (0.000062%); highest among the groups gnomAD compares: African/African-American, 0.0013%; no homozygotes.

Submission:

Labcorp Genetics (formerly Invitae), Labcorp
Classification: Uncertain significance for Thrombophilia due to protein C deficiency, autosomal dominant. Last evaluated: 2024-02-03. Review status: criteria provided, single submitter. Criteria: Invitae Variant Classification Sherloc (09022015). Collection method: clinical testing. Allele origin: germline.
Comment: This sequence change replaces methionine, which is neutral and non-polar, with lysine, which is basic and polar, at codon 406 of the PROC protein (p.Met406Lys). This variant is present in population databases (rs758788677, gnomAD 0.007%). This variant has not been reported in the literature in individuals affected with PROC-related conditions. Advanced modeling of protein sequence and biophysical properties (such as structural, functional, and spatial information, amino acid conservation, physicochemical variation, residue mobility, and thermodynamic stability) performed at Invitae indicates that this missense variant is expected to disrupt PROC protein function with a positive predictive value of 80%. This variant disrupts the p.Met406 amino acid residue in PROC. Other variant(s) that disrupt this residue have been determined to be pathogenic (PMID: 8165644, 24028705, 24162787, 24300144). This suggests that this residue is clinically significant, and that variants that disrupt this residue are likely to be disease-causing. In summary, the available evidence is currently insufficient to determine the role of this variant in disease. Therefore, it has been classified as a Variant of Uncertain Significance.

Literature cited by the submitters: PubMed 8165644; PubMed 24028705; PubMed 24162787; PubMed 24300144.